The following is an entry in ClinVar:

NM_199355.4(ADAMTS18):c.1730G>A (p.Cys577Tyr)

Gene: ADAMTS18 (ADAM metallopeptidase with thrombospondin type 1 motif 18; minus strand). Cytogenetic location: 16q23.1.
Variant type: single nucleotide variant.
Coding change: c.1730G>A on transcript NM_199355.4 (MANE Select); coding-DNA position 1730, G replaced by A.
Protein change: p.Cys577Tyr; replaces cysteine 577 with tyrosine.
Molecular consequence: missense variant.
Genome position (GRCh38, 1-based): chr16:77,335,885, C>T on the plus strand (G>A on the coding strand, the complement: ADAMTS18 is on the minus strand). VCF-style: chr16-77335885-C-T. GRCh37 (hg19) VCF-style: chr16-77369782-C-T.
Other names: c.1214G>A, p.Cys405Tyr (NM_001326358.2); short protein forms C405Y, C577Y.
Identifiers: ClinVar variation 1050955 (VCV001050955.10), dbSNP rs1369523845, ClinGen allele CA396832413.

ClinVar aggregate classification (germline): Uncertain significance (1 of 4 stars; one submission).

Allele frequency attached by ClinVar (database versions not stated): TOPMed 0.00001.

Submission:

Labcorp Genetics (formerly Invitae), Labcorp
Classification: Uncertain significance. Last evaluated: 2026-01-26. Review status: criteria provided, single submitter. Criteria: Invitae Variant Classification Sherloc (09022015). Collection method: clinical testing. Allele origin: germline.
Comment: This sequence change replaces cysteine, which is neutral and slightly polar, with tyrosine, which is neutral and polar, at codon 577 of the ADAMTS18 protein (p.Cys577Tyr). This variant is not present in population databases (gnomAD no frequency). This variant has not been reported in the literature in individuals affected with ADAMTS18-related conditions. ClinVar contains an entry for this variant (Variation ID: 1050955). An algorithm developed to predict the effect of missense changes on protein structure and function (PolyPhen-2) suggests that this variant is likely to be disruptive. This variant disrupts the p.Cys577 amino acid residue in ADAMTS18. Other variant(s) that disrupt this residue have been determined to be pathogenic (PMID: 23818446). This suggests that this residue is clinically significant, and that variants that disrupt this residue are likely to be disease-causing. In summary, the available evidence is currently insufficient to determine the role of this variant in disease. Therefore, it has been classified as a Variant of Uncertain Significance.

Literature cited by the submitters: PubMed 23818446.